The following is an entry in ClinVar:

NM_000553.6(WRN):c.2776T>G (p.Ser926Ala)

Gene: WRN (WRN RecQ like helicase; plus strand). Cytogenetic location: 8p12.
Variant type: single nucleotide variant.
Coding change: c.2776T>G on transcript NM_000553.6 (MANE Select); coding-DNA position 2776, T replaced by G.
Protein change: p.Ser926Ala; replaces serine 926 with alanine.
Molecular consequence: missense variant.
Genome position (GRCh38, 1-based): chr8:31,124,951, T>G. VCF-style: chr8-31124951-T-G. GRCh37 (hg19) VCF-style: chr8-30982467-T-G.
Other names: short protein forms S926A.
Identifiers: ClinVar variation 646071 (VCV000646071.5), dbSNP rs1585490248, ClinGen allele CA370917699.

ClinVar aggregate classification (germline): Uncertain significance (1 of 4 stars; one submission).

Conditions:
Werner syndrome (WRN). Identifiers: Orphanet 902, MedGen C0043119, MONDO:0010196, OMIM 277700.

Allele frequency attached by ClinVar (database versions not stated): gnomAD exomes below 0.00001.
gnomAD v4.1: 1 of 1,613,184 alleles (0.000062%); highest among the groups gnomAD compares: Non-Finnish European, 0.000085%; no homozygotes.

Submission:

Labcorp Genetics (formerly Invitae), Labcorp
Classification: Uncertain significance for Werner syndrome. Last evaluated: 2024-08-29. Review status: criteria provided, single submitter. Criteria: Invitae Variant Classification Sherloc (09022015). Collection method: clinical testing. Allele origin: germline.
Comment: This sequence change replaces serine, which is neutral and polar, with alanine, which is neutral and non-polar, at codon 926 of the WRN protein (p.Ser926Ala). This variant is not present in population databases (gnomAD no frequency). This variant has not been reported in the literature in individuals affected with WRN-related conditions. ClinVar contains an entry for this variant (Variation ID: 646071). An algorithm developed to predict the effect of missense changes on protein structure and function (PolyPhen-2) suggests that this variant is likely to be tolerated. In summary, the available evidence is currently insufficient to determine the role of this variant in disease. Therefore, it has been classified as a Variant of Uncertain Significance.